The following is an entry in ClinVar:

NM_016203.4(PRKAG2):c.1129T>C (p.Leu377=)

Gene: PRKAG2 (protein kinase AMP-activated non-catalytic subunit gamma 2; minus strand). Cytogenetic location: 7q36.1.
Variant type: single nucleotide variant.
Coding change: c.1129T>C on transcript NM_016203.4 (MANE Select); coding-DNA position 1129, T replaced by C.
Protein change: p.Leu377=; no amino-acid change (leucine 377 retained).
Molecular consequence: synonymous variant.
Genome position (GRCh38, 1-based): chr7:151,568,820, A>G on the plus strand (T>C on the coding strand, the complement: PRKAG2 is on the minus strand). VCF-style: chr7-151568820-A-G. GRCh37 (hg19) VCF-style: chr7-151265906-A-G.
Other names: c.997T>C, p.Leu333= (NM_001040633.2); c.754T>C, p.Leu252= (NM_001304527.2); c.406T>C, p.Leu136= (NM_001304531.2, NM_024429.2); c.757T>C, p.Leu253= (NM_001363698.2).
Identifiers: ClinVar variation 384210 (VCV000384210.2), dbSNP rs1057521896, ClinGen allele CA16605283.
Genomic context (GRCh38, chr7:151,568,820, plus strand): 5'-AAAGTGCATTCCCACTGATAGGGTCAATAACGGGCAATCTGTGGATTTTATTTTTGATCA[A>G]GGAGTATACAGCATCGAAGAGGCTGTGGGAGAAGTCATTAAAGTTGTTAGGAGGCTTTCG-3'
Protein context (NP_057287.2, residues 367-387): DASLFDAVYS[Leu377=]IKNKIHRLPV

ClinVar aggregate classification (germline): Likely benign. Review status: criteria provided, multiple submitters, no conflicts (2 of 4 stars). 2 submissions from 2 submitters: Likely benign (2). Last evaluated 2023-12-13.

Conditions:
Hypertrophic cardiomyopathy. Also called: HYPERTROPHIC MYOCARDIOPATHY. Identifiers: Orphanet 217569, MedGen C0007194, MeSH D002312, MONDO:0005045, HP:0001639.

Submissions (2):

All of Us Research Program, National Institutes of Health
Classification: Likely benign for Hypertrophic cardiomyopathy. Last evaluated: 2023-12-13. Review status: criteria provided, single submitter. Criteria: ACMG Guidelines, 2015. Collection method: clinical testing. Allele origin: germline. Inheritance: Autosomal dominant inheritance. Observed: 1 variant allele, 1 heterozygote.
Comment: This study involves interpretation of variants in research participants for the purpose of population health screening. Participant phenotype was not available at the time of variant classification. Additional details can be found in publication PMID: 35346344, PMCID: PMC8962531

GeneDx
Classification: Likely benign. Last evaluated: 2016-03-21. Review status: criteria provided, single submitter. Criteria: GeneDx Variant Classification (06012015). Collection method: clinical testing. Allele origin: germline. Affected: yes.
Comment: This variant is considered likely benign or benign based on one or more of the following criteria: it is a conservative change, it occurs at a poorly conserved position in the protein, it is predicted to be benign by multiple in silico algorithms, and/or has population frequency not consistent with disease.